The following is an entry in ClinVar:

NM_020975.6(RET):c.2284+4C>G

Gene: RET (ret proto-oncogene; plus strand). Cytogenetic location: 10q11.21.
Variant type: single nucleotide variant.
Coding change: c.2284+4C>G on transcript NM_020975.6 (MANE Select); 4 bases into the intron after coding-DNA position 2284, C replaced by G.
Molecular consequence: intron variant.
Genome position (GRCh38, 1-based): chr10:43,116,735, C>G. VCF-style: chr10-43116735-C-G. GRCh37 (hg19) VCF-style: chr10-43612183-C-G.
Other names: c.2284+4C>G (NM_020630.7, NM_001406743.1, NM_001406744.1 and 2 more transcripts); c.2149+4C>G (NM_001406765.1, NM_001406763.1); c.1888+4C>G (NM_001406772.1, NM_001406769.1); c.1846+4C>G (NM_001406773.1, NM_001406771.1); c.1387+4C>G (NM_001406782.1, NM_001406780.1, NM_001406779.1 and 1 more transcripts); c.1252+4C>G (NM_001406787.1); c.1267+4C>G (NM_001406785.1); c.2155+4C>G (NM_001406764.1, NM_001406762.1, NM_001406761.1); and 10 more.
Identifiers: ClinVar variation 950458 (VCV000950458.16), dbSNP rs1838080320, ClinGen allele CA1139659384.

ClinVar aggregate classification (germline): Uncertain significance. Review status: criteria provided, multiple submitters, no conflicts (2 of 4 stars). 5 submissions from 5 submitters: Uncertain significance (5). Last evaluated 2025-08-25.

Conditions:
Multiple endocrine neoplasia, type 2 (MEN2). Identifiers: Orphanet 653, MedGen C4048306, MONDO:0019003. Disease mechanism: gain of function.
Multiple endocrine neoplasia type 2B. Also called: Multiple endocrine neoplasia, type 3; MEN 2B; MULTIPLE ENDOCRINE NEOPLASIA, TYPE IIB; MUCOSAL NEUROMA SYNDROME; Multiple Endocrine Neoplasia Type 2B (MEN2B); MEN IIB. Identifiers: Orphanet 247709, Orphanet 653, MedGen C0025269, MeSH D018814, MONDO:0008082, OMIM 162300.
Hirschsprung disease, susceptibility to, 1 (HSCR1). Also called: RET-Related Hirschsprung Disease. Identifiers: Orphanet 388, MedGen C3888239, MONDO:0007723, OMIM 142623.
Pheochromocytoma. Also called: MAX-Related Hereditary Paraganglioma-Pheochromocytoma Syndrome. Identifiers: Orphanet 29072, MedGen C0031511, MONDO:0008233, OMIM 171300, HP:0002666.
Multiple endocrine neoplasia type 2A. Also called: MULTIPLE ENDOCRINE NEOPLASIA, TYPE IIA; PTC SYNDROME; SIPPLE SYNDROME; MEN 2A; MEN-2A syndrome; Pheochromocytoma and amyloid producing medullary thyroid carcinoma. Identifiers: Orphanet 247698, Orphanet 653, MedGen C0025268, MeSH D018813, MONDO:0008234, OMIM 171400.
Familial medullary thyroid carcinoma (MTC). Also called: Thyroid cancer, familial medullary; MTC, familial; Familial Medullary Thyroid Carcinoma (FMTC). Identifiers: Orphanet 653, Orphanet 99361, MedGen C1833921, MONDO:0007958, OMIM 155240.
Hereditary cancer-predisposing syndrome. Also called: Hereditary Cancer Syndrome; Hereditary neoplastic syndrome; Tumor predisposition; Neoplastic Syndromes, Hereditary. Identifiers: Orphanet 140162, MedGen C0027672, MeSH D009386, MONDO:0015356.

Submissions (5):

Labcorp Genetics (formerly Invitae), Labcorp
Classification: Uncertain significance for Multiple endocrine neoplasia, type 2. Last evaluated: 2025-08-25. Review status: criteria provided, single submitter. Criteria: Invitae Variant Classification Sherloc (09022015). Collection method: clinical testing. Allele origin: germline.
Comment: This sequence change falls in intron 12 of the RET gene. It does not directly change the encoded amino acid sequence of the RET protein. It affects a nucleotide within the consensus splice site. This variant is not present in population databases (gnomAD no frequency). This variant has not been reported in the literature in individuals affected with RET-related conditions. ClinVar contains an entry for this variant (Variation ID: 950458). Variants that disrupt the consensus splice site are a relatively common cause of aberrant splicing (PMID: 17576681, 9536098). Algorithms developed to predict the effect of sequence changes on RNA splicing suggest that this variant is not likely to affect RNA splicing. In summary, the available evidence is currently insufficient to determine the role of this variant in disease. Therefore, it has been classified as a Variant of Uncertain Significance.

Color Diagnostics, LLC DBA Color Health
Classification: Uncertain significance for Multiple endocrine neoplasia, type 2. Last evaluated: 2025-06-13. Review status: criteria provided, single submitter. Criteria: ACMG Guidelines, 2015. Collection method: clinical testing. Allele origin: germline.
Comment: This variant causes a C to G nucleotide substitution at the +4 position of intron 12 of the RET gene. To our knowledge, functional studies have not been reported for this variant. This variant has not been reported in individuals affected with RET-related disorders in the literature. This variant has not been identified in the general population by the Genome Aggregation Database (gnomAD). The available evidence is insufficient to determine the role of this variant in disease conclusively. Therefore, this variant is classified as a Variant of Uncertain Significance.

Fulgent Genetics
Classification: Uncertain significance for Hirschsprung disease, susceptibility to, 1; Familial medullary thyroid carcinoma; Multiple endocrine neoplasia type 2B; Pheochromocytoma; Multiple endocrine neoplasia type 2A. Last evaluated: 2024-05-31. Review status: criteria provided, single submitter. Criteria: ACMG Guidelines, 2015. Collection method: clinical testing. Allele origin: germline.

All of Us Research Program, National Institutes of Health
Classification: Uncertain significance for Multiple endocrine neoplasia, type 2. Last evaluated: 2023-06-08. Review status: criteria provided, single submitter. Criteria: ACMG Guidelines, 2015. Collection method: clinical testing. Allele origin: germline. Inheritance: Autosomal dominant inheritance. Observed: 1 variant allele, 1 heterozygote.
Comment: This variant causes a C to G nucleotide substitution at the +4 position of intron 12 of the RET gene. To our knowledge, functional studies have not been reported for this variant. This variant has not been reported in individuals affected with RET-related disorders in the literature. This variant has not been identified in the general population by the Genome Aggregation Database (gnomAD). The available evidence is insufficient to determine the role of this variant in disease conclusively. Therefore, this variant is classified as a Variant of Uncertain Significance.

This study involves interpretation of variants in research participants for the purpose of population health screening. Participant phenotype was not available at the time of variant classification. Additional details can be found in publication PMID: 35346344, PMCID: PMC8962531

Ambry Genetics
Classification: Uncertain significance for Hereditary cancer-predisposing syndrome. Last evaluated: 2023-03-01. Review status: criteria provided, single submitter. Criteria: Ambry Variant Classification Scheme 2023. Collection method: clinical testing. Allele origin: germline.
Comment: The c.2284+4C>G intronic variant results from a C to G substitution 4 nucleotides after coding exon 12 in the RET gene. This nucleotide position is well conserved in available vertebrate species. In silico splice site analysis predicts that this alteration will not have any significant effect on splicing. Since supporting evidence is limited at this time, the clinical significance of this alteration remains unclear.

Literature cited by the submitters: PubMed 17576681 (cited by Labcorp Genetics (formerly Invitae), Labcorp); PubMed 9536098 (cited by Labcorp Genetics (formerly Invitae), Labcorp).